The following is an entry in ClinVar:

ClinVar aggregate classification (germline): Benign/Likely benign. Review status: criteria provided, multiple submitters, no conflicts (2 of 4 stars). 3 submissions from 3 submitters: Benign (1); Likely benign (1). 1 of the submissions does not count toward it. Last evaluated 2019-12-31.

Conditions:
DNAJC3-related disorder. Also called: DNAJC3-related condition.

Allele frequency attached by ClinVar (database versions not stated): gnomAD exomes 0.00110; ExAC 0.00140; gnomAD 0.00426 and 0.00459; ESP Exome Variant Server 0.00461; TOPMed 0.00494; 1000 Genomes Project 0.00559; 1000 Genomes Project 30x 0.00625.
gnomAD v4.1: 1,251 of 1,613,962 alleles (0.078%); highest among the groups gnomAD compares: African/African-American, 1.4%; 11 homozygotes.

Submissions (3):

Labcorp Genetics (formerly Invitae), Labcorp
Classification: Benign. Last evaluated: 2019-12-31. Review status: criteria provided, single submitter. Criteria: Invitae Variant Classification Sherloc (09022015). Collection method: clinical testing. Allele origin: germline.

Genetic Services Laboratory, University of Chicago
Classification: Likely benign. Last evaluated: 2019-06-17. Review status: criteria provided, single submitter. Criteria: ACMG Guidelines, 2015. Collection method: clinical testing. Allele origin: germline. Affected: no.

PreventionGenetics, part of Exact Sciences
Classification: Benign for DNAJC3-related condition. Last evaluated: 2019-06-07. Review status: no assertion criteria provided. Collection method: clinical testing. Allele origin: germline. Not counted in ClinVar's aggregate classification.
Comment: This variant is classified as benign based on ACMG/AMP sequence variant interpretation guidelines (Richards et al. 2015 PMID: 25741868, with internal and published modifications).

NM_006260.5(DNAJC3):c.1060G>C (p.Glu354Gln)

Gene: DNAJC3 (DnaJ heat shock protein family (Hsp40) member C3; plus strand). Cytogenetic location: 13q32.1.
Variant type: single nucleotide variant.
Coding change: c.1060G>C on transcript NM_006260.5 (MANE Select); coding-DNA position 1060, G replaced by C.
Protein change: p.Glu354Gln; replaces glutamic acid 354 with glutamine.
Molecular consequence: missense variant.
Genome position (GRCh38, 1-based): chr13:95,763,938, G>C. VCF-style: chr13-95763938-G-C. GRCh37 (hg19) VCF-style: chr13-96416192-G-C.
Other names: short protein forms E354Q.
Identifiers: ClinVar variation 717316 (VCV000717316.10), dbSNP rs59892430, ClinGen allele CA7021509.